The following is an entry in ClinVar:

NM_000498.3(CYP11B2):c.1379TGC[6] (p.Leu464dup)

Genes: CYP11B2 (cytochrome P450 family 11 subfamily B member 2; minus strand), LOC106799834 (CYP11B2 recombination region; plus strand). Cytogenetic location: 8q24.3.
Variant type: Microsatellite.
Coding change: c.1379TGC[6] on transcript NM_000498.3 (MANE Select); six copies in a row of the 3-base unit TGC starting at c.1379; the reference has five copies in a row; one copy, 3 bases duplicated; also written c.1391_1393dup.
Protein change: p.Leu464dup; duplicates leucine 464.
Molecular consequence: inframe insertion.
Genome position (GRCh38, 1-based): chr8:142,912,535-142,912,537, GCA duplicated on the plus strand (TGC on the coding strand, the reverse complement: CYP11B2 is on the minus strand); duplicating any 3 consecutive bases within chr8:142,912,535-142,912,549 gives the same sequence; the position shown is the placement nearest the transcript's 3' end. VCF-style (leftmost placement, unchanged base first): chr8-142912534-T-TGCA. GRCh37 (hg19) VCF-style: chr8-143993950-T-TGCA.
Other names: c.1391_1393dup (NM_000498.3).
Identifiers: ClinVar variation 1335720 (VCV001335720.37), dbSNP rs776404064, ClinGen allele CA1120128557.
Genomic context (GRCh38, chr8:142,912,534, plus strand): 5'-TGTGCAGGTCCCGCCTCTGCTGCCCAGGTCCCGCCCCCGCCCCCAGGCCTGCTTACGTGG[T>TGCA]GCAGCAGCAGCAGCATCTCTGCCTCTGCCAGGCGCCGCCCGAGGCACTGGCGCATGCCAA-3'

ClinVar aggregate classification (germline): Likely pathogenic. Review status: criteria provided, multiple submitters, no conflicts (2 of 4 stars). 2 submissions from 2 submitters: Likely pathogenic (2). Last evaluated 2026-02-10.

Submissions (2):

Dasa
Classification: Likely pathogenic. Last evaluated: 2026-02-10. Review status: criteria provided, single submitter. Criteria: DASA Assertion Criteria. Collection method: clinical testing. Allele origin: germline.
Comment: NM_000498.3(CYP11B2):c.1391_1393dup (p.Leu464dup) is an in-frame duplication predicted to duplicate leucine at protein position 464 without shifting the reading frame. This variant has been recurrently observed in individuals with CYP11B2-related disorders (PMID: 37332400; PMID: 40091330; PMID: 41479431; PMID: 8768848; PMID: 35685215). Functional evidence supports an impact on the gene or gene product (PMID: 37332400; PMID: 8768848). Also, this variant is rare in population databases. Based on the currently available evidence, this variant is classified as likely pathogenic.

CeGaT Center for Human Genetics Tuebingen
Classification: Likely pathogenic. Last evaluated: 2022-11-01. Review status: criteria provided, single submitter. Criteria: CeGaT Center For Human Genetics Tuebingen Variant Classification Criteria Version 2. Collection method: clinical testing. Allele origin: germline. Affected: yes. Observed: 1 variant allele.
Comment: CYP11B2: PM2, PM3, PM4:Supporting, PP4

Literature cited by the submitters: PubMed 37332400 (cited by Dasa); PubMed 8768848 (cited by Dasa); PubMed 40091330 (cited by Dasa); PubMed 41479431 (cited by Dasa); PubMed 35685215 (cited by Dasa).